The following is an entry in ClinVar:

ClinVar aggregate classification (germline): Likely benign (1 of 4 stars; one submission).

Conditions:
Familial cancer of breast. Also called: Hereditary breast cancer; BREAST CANCER, FAMILIAL; hereditary breast carcinoma. Identifiers: Orphanet 227535, MedGen C0346153, MONDO:0016419, OMIM 114480. Disease mechanism: loss of function.

Submission:

Myriad Genetics, Inc.
Classification: Likely benign for Familial cancer of breast. Last evaluated: 2024-10-02. Review status: criteria provided, single submitter. Criteria: Myriad Autosomal Dominant, Autosomal Recessive and X-Linked Classification Criteria (2023). Collection method: clinical testing. Allele origin: unknown.
Comment: This variant is considered likely benign. This variant is intronic and is not expected to impact mRNA splicing.

NM_007194.4(CHEK2):c.320-10T>C

Gene: CHEK2 (checkpoint kinase 2; minus strand). Cytogenetic location: 22q12.1.
Variant type: single nucleotide variant.
Coding change: c.320-10T>C on transcript NM_007194.4 (MANE Select); 10 bases into the intron before coding-DNA position 320, T replaced by C.
Molecular consequence: intron variant.
Genome position (GRCh38, 1-based): chr22:28,725,377, A>G on the plus strand (T>C on the coding strand, the complement: CHEK2 is on the minus strand). VCF-style: chr22-28725377-A-G. GRCh37 (hg19) VCF-style: chr22-29121365-A-G.
Other names: c.-344-10T>C (NM_001437942.1); c.320-10T>C (NM_001349956.3, NM_145862.3); c.-458-10T>C (NM_001257387.3); c.413-10T>C (NM_001438295.1, NM_001438293.1); c.449-10T>C (NM_001438294.1, NM_001005735.3).
Identifiers: ClinVar variation 3772794 (VCV003772794.1).